The following is an entry in ClinVar:

ClinVar aggregate classification (germline): Uncertain significance. Review status: criteria provided, single submitter (1 of 4 stars). 2 submissions from 1 submitter: Uncertain significance (1). 1 of the submissions does not count toward it.

Conditions:
Platelet-type bleeding disorder 16 (BDPLT16). Also called: Bleeding disorder, platelet-type, 16, autosomal dominant. Identifiers: Orphanet 140957, MedGen C5442010, MONDO:0008552, OMIM 187800.
Glanzmann thrombasthenia 2. Also called: BLEEDING DISORDER, PLATELET-TYPE, 23. Identifiers: MedGen C5543273, MONDO:0031009, OMIM 619267.

Submissions (2):

ISTH-SSC Genomics in Thrombosis and Hemostasis, KU Leuven, Center for Molecular and Vascular Biology
Classification: Uncertain significance for Glanzmann thrombasthenia 2. Review status: criteria provided, single submitter. Criteria: ACMG Guidelines, 2015. Collection method: clinical testing. Allele origin: germline. Affected: yes. Observed: 1 compound heterozygote.
Comment: Submitted to GoldVariant by Jose María Bastida and José Rivera; Grupo Español de Alteraciones Plaquetarias Congénitas (GEAPC)

ISTH-SSC Genomics in Thrombosis and Hemostasis, KU Leuven, Center for Molecular and Vascular Biology
Classification: Pathogenic for Platelet-type bleeding disorder 16. Review status: no assertion criteria provided. Collection method: research. Allele origin: paternal. Affected: yes. Not counted in ClinVar's aggregate classification.
Comment: Submitted to GoldVariant by Loredana Bury - Paolo Gresele from University of Perugia, Department of Medicine and Surgery, Centre for Hemostasis and Thrombosis, Italy

NM_000212.3(ITGB3):c.992A>G (p.Asn331Ser)

Gene: ITGB3 (integrin subunit beta 3; plus strand). Cytogenetic location: 17q21.32.
Variant type: single nucleotide variant.
Coding change: c.992A>G on transcript NM_000212.3 (MANE Select); coding-DNA position 992, A replaced by G.
Protein change: p.Asn331Ser; replaces asparagine 331 with serine.
Molecular consequence: missense variant.
Genome position (GRCh38, 1-based): chr17:47,289,733, A>G. VCF-style: chr17-47289733-A-G. GRCh37 (hg19) VCF-style: chr17-45367099-A-G.
Other names: short protein forms N331S.
Identifiers: ClinVar variation 1684352 (VCV001684352.3), dbSNP rs2143105853, ClinGen allele CA400025729.